The following is an entry in ClinVar:

NM_004360.5(CDH1):c.419T>C (p.Leu140Pro)

Gene: CDH1 (cadherin 1; plus strand). Cytogenetic location: 16q22.1.
Variant type: single nucleotide variant.
Coding change: c.419T>C on transcript NM_004360.5 (MANE Select); coding-DNA position 419, T replaced by C.
Protein change: p.Leu140Pro; replaces leucine 140 with proline.
Molecular consequence: missense variant. On other transcripts: 5 prime UTR variant (2).
Genome position (GRCh38, 1-based): chr16:68,808,455, T>C. VCF-style: chr16-68808455-T-C. GRCh37 (hg19) VCF-style: chr16-68842358-T-C.
Other names: c.419T>C, p.Leu140Pro (NM_001317184.2); c.-1197T>C (NM_001317185.2); c.-1401T>C (NM_001317186.2); short protein forms L140P.
Identifiers: ClinVar variation 4883177 (VCV004883177.2).

ClinVar aggregate classification (germline): Uncertain significance (1 of 4 stars; one submission).

Submission:

Dasa
Classification: Uncertain significance. Last evaluated: 2025-01-27. Review status: criteria provided, single submitter. Criteria: DASA Assertion Criteria. Collection method: clinical testing. Allele origin: germline.
Comment: NM_004360.5(CDH1):c.419T>C (p.Leu140Pro) is a missense variant that results in the substitution of leucine with proline. This variant is absent from population databases. The currently available literature and clinical evidence are not sufficient to establish a definitive association between this variant and the reported condition. Therefore, this variant is classified as a variant of uncertain significance.